The following is an entry in ClinVar:

ClinVar aggregate classification (germline): Benign/Likely benign. Review status: criteria provided, multiple submitters, no conflicts (2 of 4 stars). 6 submissions from 6 submitters: Benign (1); Likely benign (4). 1 of the submissions does not count toward it. Last evaluated 2026-08-01.

Conditions:
SGCG-related disorder. Also called: SGCG-related condition.
Sarcoglycanopathy. Identifiers: Orphanet 207052, MedGen C2936331, MONDO:0016140.

Allele frequency attached by ClinVar (database versions not stated): 1000 Genomes Project 30x 0.00187; 1000 Genomes Project 0.00220; TOPMed 0.00676; gnomAD 0.00735 and 0.00749.

Submissions (6):

CeGaT Center for Human Genetics Tuebingen
Classification: Benign. Last evaluated: 2026-08-01. Review status: criteria provided, single submitter. Criteria: CeGaT Center For Human Genetics Tuebingen Variant Classification Criteria Version 2. Collection method: clinical testing. Allele origin: germline. Affected: yes. Observed: 18 variant alleles.
Comment: SGCG: BP4, BS1, BS2

Blueprint Genetics
Classification: Likely benign. Last evaluated: 2024-11-27. Review status: criteria provided, single submitter. Criteria: ACMG Guidelines, 2015. Collection method: clinical testing. Allele origin: germline.

Illumina Laboratory Services, Illumina
Classification: Likely benign for Sarcoglycanopathy. Last evaluated: 2018-01-13. Review status: criteria provided, single submitter. Criteria: ICSL Variant Classification Criteria 13 December 2019. Collection method: clinical testing. Allele origin: germline.
Comment: This variant was observed in the ICSL laboratory as part of a predisposition screen in an ostensibly healthy population. It had not been previously curated by ICSL or reported in the Human Gene Mutation Database (HGMD: prior to June 1st, 2018), and was therefore a candidate for classification through an automated scoring system. Utilizing variant allele frequency, disease prevalence and penetrance estimates, and inheritance mode, an automated score was calculated to assess if this variant is too frequent to cause the disease. Based on the score and internal cut-off values, a variant classified as likely benign is not then subjected to further curation. The score for this variant resulted in a classification of likely benign for this disease.

GeneDx
Classification: Likely benign. Last evaluated: 2017-08-18. Review status: criteria provided, single submitter. Criteria: GeneDx Variant Classification (06012015). Collection method: clinical testing. Allele origin: germline. Affected: yes.
Comment: This variant is considered likely benign or benign based on one or more of the following criteria: it is a conservative change, it occurs at a poorly conserved position in the protein, it is predicted to be benign by multiple in silico algorithms, and/or has population frequency not consistent with disease.

Eurofins Ntd Llc (ga)
Classification: Likely benign. Last evaluated: 2016-08-08. Review status: criteria provided, single submitter. Criteria: EGL Classification Definitions 2015. Collection method: clinical testing. Allele origin: germline. Observed: 4 variant alleles, 4 heterozygotes.

PreventionGenetics, part of Exact Sciences
Classification: Benign for SGCG-related condition. Last evaluated: 2019-09-30. Review status: no assertion criteria provided. Collection method: clinical testing. Allele origin: germline. Not counted in ClinVar's aggregate classification.
Comment: This variant is classified as benign based on ACMG/AMP sequence variant interpretation guidelines (Richards et al. 2015 PMID: 25741868, with internal and published modifications).

NM_000231.3(SGCG):c.-6T>C

Gene: SGCG (sarcoglycan gamma; plus strand). Cytogenetic location: 13q12.12.
Variant type: single nucleotide variant.
Coding change: c.-6T>C on transcript NM_000231.3 (MANE Select); 6 bases upstream of the start codon, T replaced by C.
Molecular consequence: 5 prime UTR variant. On other transcripts: intron variant (2).
Genome position (GRCh38, 1-based): chr13:23,181,070, T>C. VCF-style: chr13-23181070-T-C. GRCh37 (hg19) VCF-style: chr13-23755209-T-C.
Other names: c.-157T>C (NM_001378246.1); c.54+20424T>C (NM_001378244.1); c.-152+87T>C (NM_001378245.1).
Identifiers: ClinVar variation 311479 (VCV000311479.36), dbSNP rs141771521, ClinGen allele CA10643098.
Genomic context (GRCh38, chr13:23,181,070, plus strand): 5'-TCTGTCTGTGGTAGAGCTCGGGCCAGCTGTAGTTCATTCGCCAGTGTGCTTTTCTTAATA[T>C]CTAAGGTAAGTGCTCAGTTTTAACTTAGATTTTATATCAGTACAAAGTACTACCTAAAAA-3'